The following is an entry in ClinVar:

NM_000057.4(BLM):c.1231C>G (p.Leu411Val)

Gene: BLM (BLM RecQ like helicase; plus strand). Cytogenetic location: 15q26.1.
Variant type: single nucleotide variant.
Coding change: c.1231C>G on transcript NM_000057.4 (MANE Select); coding-DNA position 1231, C replaced by G.
Protein change: p.Leu411Val; replaces leucine 411 with valine.
Molecular consequence: missense variant.
Genome position (GRCh38, 1-based): chr15:90,760,604, C>G. VCF-style: chr15-90760604-C-G. GRCh37 (hg19) VCF-style: chr15-91303834-C-G.
Other names: c.1231C>G, p.Leu411Val (NM_001287246.2, NM_001287247.2); c.106C>G, p.Leu36Val (NM_001287248.2); short protein forms L411V, L36V.
Identifiers: ClinVar variation 579322 (VCV000579322.9), dbSNP rs1567040779, ClinGen allele CA393842610.

ClinVar aggregate classification (germline): Uncertain significance (1 of 4 stars; one submission).

Conditions:
Bloom syndrome (BLM). Also called: Bloom-Torre-Machacek syndrome. Identifiers: Orphanet 125, MedGen C0005859, MONDO:0008876, OMIM 210900.

Allele frequency attached by ClinVar (database versions not stated): gnomAD exomes below 0.00001.
gnomAD v4.1: 2 of 1,611,066 alleles (0.00012%); highest among the groups gnomAD compares: Non-Finnish European, 0.00017%; no homozygotes.

Submission:

Labcorp Genetics (formerly Invitae), Labcorp
Classification: Uncertain significance for Bloom syndrome. Last evaluated: 2018-04-17. Review status: criteria provided, single submitter. Criteria: Invitae Variant Classification Sherloc (09022015). Collection method: clinical testing. Allele origin: germline.
Comment: This sequence change replaces leucine with valine at codon 411 of the BLM protein (p.Leu411Val). The leucine residue is moderately conserved and there is a small physicochemical difference between leucine and valine. This variant is not present in population databases (ExAC no frequency). This variant has not been reported in the literature in individuals with BLM-related disease. Algorithms developed to predict the effect of missense changes on protein structure and function do not agree on the potential impact of this missense change (SIFT: "Tolerated"; PolyPhen-2: "Probably Damaging"; Align-GVGD: "Class C0"). Algorithms developed to predict the effect of sequence changes on RNA splicing suggest that this variant may create or strengthen a splice site, but this prediction has not been confirmed by published transcriptional studies. In summary, the available evidence is currently insufficient to determine the role of this variant in disease. Therefore, it has been classified as a Variant of Uncertain Significance.